The following is an entry in ClinVar:

ClinVar aggregate classification (germline): Pathogenic (1 of 4 stars; one submission).

Conditions:
Mucopolysaccharidosis type 6 (MPS6). Also called: MPS VI; N-ACETYLGALACTOSAMINE-4-SULFATASE DEFICIENCY; ARSB DEFICIENCY; ARYLSULFATASE B DEFICIENCY; MPS 6; Maroteaux Lamy syndrome. Identifiers: Orphanet 583, MedGen C0026709, MONDO:0009661, OMIM 253200.

Submission:

Labcorp Genetics (formerly Invitae), Labcorp
Classification: Pathogenic for Mucopolysaccharidosis type 6. Last evaluated: 2025-03-18. Review status: criteria provided, single submitter. Criteria: Invitae Variant Classification Sherloc (09022015). Collection method: clinical testing. Allele origin: germline.
Comment: This sequence change creates a premature translational stop signal (p.Gly205Aspfs*16) in the ARSB gene. It is expected to result in an absent or disrupted protein product. Loss-of-function variants in ARSB are known to be pathogenic (PMID: 17458871, 22133300). This variant is not present in population databases (gnomAD no frequency). This variant has not been reported in the literature in individuals affected with ARSB-related conditions. For these reasons, this variant has been classified as Pathogenic.

Literature cited by the submitters: PubMed 17458871; PubMed 22133300.

NM_000046.5(ARSB):c.614del (p.Gly205fs)

Gene: ARSB (arylsulfatase B; minus strand). Cytogenetic location: 5q14.1.
Variant type: Deletion.
Coding change: c.614del on transcript NM_000046.5 (MANE Select); coding-DNA position 614, one base deleted (G; older notation c.614delG).
Protein change: p.Gly205fs; shifts the reading frame from glycine 205.
Molecular consequence: frameshift variant.
Genome position (GRCh38, 1-based): chr5:78,964,492, C deleted on the plus strand (G on the coding strand, the reverse complement: ARSB is on the minus strand); the first of 2 consecutive C bases (chr5:78,964,492-78,964,493); deleting either gives the same sequence. VCF-style (leftmost placement, unchanged base first): chr5-78964491-TC-T. GRCh37 (hg19) VCF-style: chr5-78260314-TC-T.
Other names: c.614del, p.Gly205fs (NM_198709.3); short protein forms G205fs.
Identifiers: ClinVar variation 4715288 (VCV004715288.1).
Genomic context (GRCh38, chr5:78,964,491, plus strand): 5'-GTTAGTTATGAGGGCTATAGCCCTTTTGGTGAATATGTTTGTTGAATACATATTTTTATA[TC>T]CTGTTGCAACTTCTTCGCCATCTCGAAAATCAAGAGCACATCGTGTGACATTCAGAGCGT-3'